The following is an entry in ClinVar:

NM_025114.4(CEP290):c.5023A>G (p.Asn1675Asp)

Gene: CEP290 (centrosomal protein 290; minus strand). Cytogenetic location: 12q21.32.
Variant type: single nucleotide variant.
Coding change: c.5023A>G on transcript NM_025114.4 (MANE Select); coding-DNA position 5023, A replaced by G.
Protein change: p.Asn1675Asp; replaces asparagine 1675 with aspartic acid.
Molecular consequence: missense variant.
Genome position (GRCh38, 1-based): chr12:88,080,385, T>C on the plus strand (A>G on the coding strand, the complement: CEP290 is on the minus strand). VCF-style: chr12-88080385-T-C. GRCh37 (hg19) VCF-style: chr12-88474162-T-C.
Other names: short protein forms N1675D.
Identifiers: ClinVar variation 310598 (VCV000310598.6), dbSNP rs886049880, ClinGen allele CA10633635.
Genomic context (GRCh38, chr12:88,080,385, plus strand): 5'-CCAGAAGATACTTTAAATCCTCTACTTCCGCTTTTACTTTTTTCACTTCATCTTCATGGT[T>C]TTCTTGAAGCCTGATGTAAATAAACATATGTGTGTGTGTGTTTTTTAATTTTTAATTTTT-3'
Protein context (NP_079390.3, residues 1665-1685): FENIKLQLQE[Asn1675Asp]HEDEVKKVKA

ClinVar aggregate classification (germline): Uncertain significance. Review status: criteria provided, multiple submitters, no conflicts (2 of 4 stars). 6 submissions from 2 submitters: Uncertain significance (6). Last evaluated 2024-12-11.

Conditions:
CEP290-related disorder. Also called: CEP290-related disorders; CEP290-related condition. Identifiers: MedGen CN239314.
Bardet-Biedl syndrome 14 (BBS14). Identifiers: Orphanet 110, MedGen C2673874, MONDO:0014442, OMIM 615991.
Meckel syndrome, type 4 (MKS4). Also called: MECKEL-GRUBER SYNDROME, TYPE 4. Identifiers: Orphanet 564, MedGen C1970161, MONDO:0012626, OMIM 611134.
Leber congenital amaurosis 10 (LCA10). Identifiers: Orphanet 65, MedGen C1857821, MONDO:0012723, OMIM 611755.
Senior-Loken syndrome 6 (SLSN6). Identifiers: Orphanet 3156, MedGen C1857779, MONDO:0012433, OMIM 610189.
Joubert syndrome 5 (JBTS5). Identifiers: Orphanet 2318, MedGen C1857780, MONDO:0012432, OMIM 610188.

Allele frequency attached by ClinVar (database versions not stated): gnomAD exomes below 0.00001.
gnomAD v4.1: 1 of 1,610,376 alleles (0.000062%); highest among the groups gnomAD compares: Non-Finnish European, 0.000085%; no homozygotes.

Submissions (6):

PreventionGenetics, part of Exact Sciences
Classification: Uncertain significance for CEP290-related condition. Last evaluated: 2024-12-11. Review status: criteria provided, single submitter. Criteria: ACMG Guidelines, 2015. Collection method: clinical testing. Allele origin: germline.
Comment: The CEP290 c.5023A>G variant is predicted to result in the amino acid substitution p.Asn1675Asp. To our knowledge, this variant has not been reported in the literature or in a large population database (gnomAD), indicating this variant is rare. At this time, the clinical significance of this variant is uncertain due to the absence of conclusive functional and genetic evidence.

Illumina Laboratory Services, Illumina
Classification: Uncertain significance for Senior-Loken syndrome 6. Last evaluated: 2018-01-13. Review status: criteria provided, single submitter. Criteria: ICSL Variant Classification Criteria 13 December 2019. Collection method: clinical testing. Allele origin: germline.

Illumina Laboratory Services, Illumina
Classification: Uncertain significance for Bardet-Biedl syndrome 14. Last evaluated: 2018-01-13. Review status: criteria provided, single submitter. Criteria: ICSL Variant Classification Criteria 13 December 2019. Collection method: clinical testing. Allele origin: germline.

Illumina Laboratory Services, Illumina
Classification: Uncertain significance for Meckel syndrome, type 4. Last evaluated: 2018-01-13. Review status: criteria provided, single submitter. Criteria: ICSL Variant Classification Criteria 13 December 2019. Collection method: clinical testing. Allele origin: germline.

Illumina Laboratory Services, Illumina
Classification: Uncertain significance for Leber congenital amaurosis 10. Last evaluated: 2018-01-13. Review status: criteria provided, single submitter. Criteria: ICSL Variant Classification Criteria 13 December 2019. Collection method: clinical testing. Allele origin: germline.

Illumina Laboratory Services, Illumina
Classification: Uncertain significance for Joubert syndrome 5. Last evaluated: 2018-01-13. Review status: criteria provided, single submitter. Criteria: ICSL Variant Classification Criteria 13 December 2019. Collection method: clinical testing. Allele origin: germline.